The following is an entry in ClinVar:

ClinVar aggregate classification (germline): Uncertain significance (1 of 4 stars; one submission).

Submission:

Women's Health and Genetics/Laboratory Corporation of America, LabCorp
Classification: Uncertain significance. Last evaluated: 2021-10-25. Review status: criteria provided, single submitter. Criteria: LabCorp Variant Classification Summary - May 2015. Collection method: clinical testing. Allele origin: germline.
Comment: Variant summary: MKKS c.1692T>A (p.Tyr564X), located in the last exon (exon 6) results in a premature termination codon, predicted to cause a truncation of the encoded protein or absence of the protein due to nonsense mediated decay, which are commonly known mechanisms for disease. Truncations downstream of this position have not been classified as pathogenic by our laboratory and have not been reported in the HGMD database. The variant was absent in 249798 control chromosomes. The available data on variant occurrences in the general population are insufficient to allow any conclusion about variant significance. To our knowledge, no occurrence of c.1692T>A in individuals affected with Bardet-Biedl Syndrome and no experimental evidence demonstrating its impact on protein function have been reported. No clinical diagnostic laboratories have submitted clinical-significance assessments for this variant to ClinVar after 2014. Based on the evidence outlined above, the variant was classified as uncertain significance.

NM_170784.3(MKKS):c.1692T>A (p.Tyr564Ter)

Gene: MKKS (MKKS centrosomal shuttling protein; minus strand). Cytogenetic location: 20p12.2.
Variant type: single nucleotide variant.
Coding change: c.1692T>A on transcript NM_170784.3 (MANE Select); coding-DNA position 1692, T replaced by A.
Protein change: p.Tyr564Ter; replaces tyrosine 564 with a stop codon.
Molecular consequence: nonsense. On other transcripts: non-coding transcript variant (1).
Genome position (GRCh38, 1-based): chr20:10,405,268, A>T on the plus strand (T>A on the coding strand, the complement: MKKS is on the minus strand). VCF-style: chr20-10405268-A-T. GRCh37 (hg19) VCF-style: chr20-10385916-A-T.
Other names: c.1692T>A, p.Tyr564Ter (NM_018848.3); short protein forms Y564*.
Identifiers: ClinVar variation 1321427 (VCV001321427.1), dbSNP rs1284336032, ClinGen allele CA408230345.